The following is an entry in ClinVar:

ClinVar aggregate classification (germline): Conflicting classifications of pathogenicity. Review status: criteria provided, conflicting classifications (1 of 4 stars). 4 submissions from 3 submitters: Uncertain significance (2); Likely benign (2). Last evaluated 2023-10-24.

Conditions:
Mitochondrial complex I deficiency, nuclear type 1. Also called: NADH-COENZYME Q REDUCTASE DEFICIENCY; MITOCHONDRIAL NADH DEHYDROGENASE COMPONENT OF COMPLEX I, DEFICIENCY OF. Identifiers: MedGen C6022305, MONDO:0100224, OMIM 252010.
Leigh syndrome (NULS). Also called: Leigh's necrotizing encephalopathy; Leigh's disease; Leigh's syndrome; Leigh Disease; LEIGH SYNDROME, NUCLEAR; Leigh Syndrome (mtDNA deletion). Identifiers: Orphanet 506, MedGen C2931891, MONDO:0009723, OMIM 256000.

Allele frequency attached by ClinVar (database versions not stated): TOPMed 0.00005; gnomAD 0.00007 and 0.00017; gnomAD exomes 0.00009 and 0.00030; ExAC 0.00011; 1000 Genomes Project 30x 0.00078; 1000 Genomes Project 0.00100.
gnomAD v4.1: 448 of 1,614,048 alleles (0.028%); highest among the groups gnomAD compares: East Asian, 0.97%; 8 homozygotes.

Submissions (5):

Labcorp Genetics (formerly Invitae), Labcorp
Classification: Likely benign. Last evaluated: 2023-10-24. Review status: criteria provided, single submitter. Criteria: Invitae Variant Classification Sherloc (09022015). Collection method: clinical testing. Allele origin: germline.

Illumina Laboratory Services, Illumina
Classification: Uncertain significance for Mitochondrial complex I deficiency, nuclear type 1. Last evaluated: 2018-01-13. Review status: criteria provided, single submitter. Criteria: ICSL Variant Classification Criteria 13 December 2019. Collection method: clinical testing. Allele origin: germline.

Illumina Laboratory Services, Illumina
Classification: Uncertain significance for Leigh syndrome. Last evaluated: 2018-01-13. Review status: criteria provided, single submitter. Criteria: ICSL Variant Classification Criteria 13 December 2019. Collection method: clinical testing. Allele origin: germline.

GeneDx
Classification: Likely benign. Last evaluated: 2018-01-04. Review status: criteria provided, single submitter. Criteria: GeneDx Variant Classification (06012015). Collection method: clinical testing. Allele origin: germline. Affected: yes.
Comment: This variant is considered likely benign or benign based on one or more of the following criteria: it is a conservative change, it occurs at a poorly conserved position in the protein, it is predicted to be benign by multiple in silico algorithms, and/or has population frequency not consistent with disease.

Dr. Peter K. Rogan Lab, Western University
No classification provided (evidence only). Condition: Gastric cancer. Review status: no classification provided. Collection method: in vitro. Allele origin: not applicable. Functional consequence: retained intron. Not counted in ClinVar's aggregate classification.

NM_004551.3(NDUFS3):c.747G>A (p.Pro249=)

Gene: NDUFS3 (NADH:ubiquinone oxidoreductase core subunit S3; plus strand). Cytogenetic location: 11p11.2.
Variant type: single nucleotide variant.
Coding change: c.747G>A on transcript NM_004551.3 (MANE Select); coding-DNA position 747, G replaced by A.
Protein change: p.Pro249=; no amino-acid change (proline 249 retained).
Molecular consequence: synonymous variant.
Genome position (GRCh38, 1-based): chr11:47,584,433, G>A. VCF-style: chr11-47584433-G-A. GRCh37 (hg19) VCF-style: chr11-47605985-G-A.
Identifiers: ClinVar variation 514270 (VCV000514270.10), dbSNP rs3740654, ClinGen allele CA5978089.